The following is an entry in ClinVar:

ClinVar aggregate classification (germline): Uncertain significance (1 of 4 stars; one submission).

Allele frequency attached by ClinVar (database versions not stated): TOPMed 0.00001.
gnomAD v4.1: 1 of 1,601,930 alleles (0.000062%); highest among the groups gnomAD compares: Admixed American, 0.0017%; no homozygotes.

Submission:

Labcorp Genetics (formerly Invitae), Labcorp
Classification: Uncertain significance. Last evaluated: 2022-03-11. Review status: criteria provided, single submitter. Criteria: Invitae Variant Classification Sherloc (09022015). Collection method: clinical testing. Allele origin: germline.
Comment: Advanced modeling of protein sequence and biophysical properties (such as structural, functional, and spatial information, amino acid conservation, physicochemical variation, residue mobility, and thermodynamic stability) performed at Invitae indicates that this missense variant is not expected to disrupt FAT4 protein function. This sequence change replaces glutamine, which is neutral and polar, with glutamic acid, which is acidic and polar, at codon 4185 of the FAT4 protein (p.Gln4185Glu). This variant is present in population databases (rs532579253, gnomAD 0.003%). This variant has not been reported in the literature in individuals affected with FAT4-related conditions. In summary, the available evidence is currently insufficient to determine the role of this variant in disease. Therefore, it has been classified as a Variant of Uncertain Significance.

NM_001291303.3(FAT4):c.12559C>G (p.Gln4187Glu)

Gene: FAT4 (FAT atypical cadherin 4; plus strand). Cytogenetic location: 4q28.1.
Variant type: single nucleotide variant.
Coding change: c.12559C>G on transcript NM_001291303.3 (MANE Select); coding-DNA position 12559, C replaced by G.
Protein change: p.Gln4187Glu; replaces glutamine 4187 with glutamic acid.
Molecular consequence: missense variant.
Genome position (GRCh38, 1-based): chr4:125,479,820, C>G. VCF-style: chr4-125479820-C-G. GRCh37 (hg19) VCF-style: chr4-126400975-C-G.
Other names: c.12559C>G, p.Gln4187Glu (NM_001291285.3); c.12553C>G, p.Gln4185Glu (NM_024582.6); short protein forms Q4187E, Q4185E.
Identifiers: ClinVar variation 2090415 (VCV002090415.3), dbSNP rs532579253, ClinGen allele CA3074138.